The following is an entry in ClinVar:

ClinVar aggregate classification (germline): Pathogenic (1 of 4 stars; one submission).

Submission:

GeneDx
Classification: Pathogenic. Last evaluated: 2025-01-16. Review status: criteria provided, single submitter. Criteria: GeneDx Variant Classification Process June 2021. Collection method: clinical testing. Allele origin: germline. Affected: yes.
Comment: Has not been previously published as pathogenic or benign to our knowledge; Not observed at significant frequency in large population cohorts (gnomAD); In silico analysis supports that this missense variant has a deleterious effect on protein structure/function; Located in the highly conserved Gly-X-Y repeat of the collagenous domain; Glycine substitution variants in this region of the COLVII protein destabilize the collagen triple helix resulting in skin fragility due to poor anchoring of the basement membrane to the underlying dermis (PMID: 20301481); This variant is associated with the following publications: (PMID: 20301481)

NM_000094.4(COL7A1):c.6602G>A (p.Gly2201Glu)

Gene: COL7A1 (collagen type VII alpha 1 chain; minus strand). Cytogenetic location: 3p21.31.
Variant type: single nucleotide variant.
Coding change: c.6602G>A on transcript NM_000094.4 (MANE Select); coding-DNA position 6602, G replaced by A.
Protein change: p.Gly2201Glu; replaces glycine 2201 with glutamic acid.
Molecular consequence: missense variant.
Genome position (GRCh38, 1-based): chr3:48,573,529, C>T on the plus strand (G>A on the coding strand, the complement: COL7A1 is on the minus strand). VCF-style: chr3-48573529-C-T. GRCh37 (hg19) VCF-style: chr3-48610962-C-T.
Other names: short protein forms G2201E.
Identifiers: ClinVar variation 1676399 (VCV001676399.4), dbSNP rs2107663241, ClinGen allele CA352656423.